The following is an entry in ClinVar:

NM_005121.3(MED13):c.6041T>G (p.Ile2014Ser)

Gene: MED13 (mediator complex subunit 13; minus strand). Cytogenetic location: 17q23.2.
Variant type: single nucleotide variant.
Coding change: c.6041T>G on transcript NM_005121.3 (MANE Select); coding-DNA position 6041, T replaced by G.
Protein change: p.Ile2014Ser; replaces isoleucine 2014 with serine.
Molecular consequence: missense variant.
Genome position (GRCh38, 1-based): chr17:61,953,041, A>C on the plus strand (T>G on the coding strand, the complement: MED13 is on the minus strand). VCF-style: chr17-61953041-A-C. GRCh37 (hg19) VCF-style: chr17-60030402-A-C.
Other names: short protein forms I2014S.
Identifiers: ClinVar variation 5018184 (VCV005018184.1).

ClinVar aggregate classification (germline): Uncertain significance (1 of 4 stars; one submission).

Submission:

GeneDx
Classification: Uncertain significance. Last evaluated: 2026-04-03. Review status: criteria provided, single submitter. Criteria: GeneDx Variant Classification Process June 2021. Collection method: clinical testing. Allele origin: germline.
Comment: Not observed at significant frequency in large population cohorts (gnomAD); In silico analysis suggests that this missense variant does not alter protein structure/function; Has not been previously published as pathogenic or benign to our knowledge